The following is an entry in ClinVar:

ClinVar aggregate classification (germline): Benign/Likely benign. Review status: criteria provided, multiple submitters, no conflicts (2 of 4 stars). 6 submissions from 6 submitters: Benign (2); Likely benign (4). Last evaluated 2026-01-19.

Conditions:
Early-infantile DEE. Also called: Early infantile epileptic encephalopathy; Early infantile epileptic encephalopathy with suppression bursts; Ohtahara syndrome. Identifiers: Orphanet 1934, MedGen C0393706, MONDO:0800491.
Inborn genetic diseases. Identifiers: MedGen C0950123, MeSH D030342.
Developmental and epileptic encephalopathy, 5 (DEE5). Identifiers: Orphanet 3451, MedGen C3150731, MONDO:0013277, OMIM 613477.

Allele frequency attached by ClinVar (database versions not stated): TOPMed 0.00010; gnomAD 0.00012; 1000 Genomes Project 30x 0.00016; 1000 Genomes Project 0.00020; gnomAD exomes 0.00024 and 0.00027; ExAC 0.00025; ESP Exome Variant Server 0.00038.
gnomAD v4.1: 432 of 1,614,068 alleles (0.027%); highest among the groups gnomAD compares: Middle Eastern, 0.082%; 1 homozygote.

Submissions (6):

Labcorp Genetics (formerly Invitae), Labcorp
Classification: Likely benign for Early-infantile DEE. Last evaluated: 2026-01-19. Review status: criteria provided, single submitter. Criteria: Invitae Variant Classification Sherloc (09022015). Collection method: clinical testing. Allele origin: germline.

CeGaT Center for Human Genetics Tuebingen
Classification: Likely benign. Last evaluated: 2025-09-01. Review status: criteria provided, single submitter. Criteria: CeGaT Center For Human Genetics Tuebingen Variant Classification Criteria Version 2. Collection method: clinical testing. Allele origin: germline. Affected: yes. Observed: 12 variant alleles.
Comment: SPTAN1: BP4, BP7

Blueprint Genetics
Classification: Likely benign. Last evaluated: 2024-11-27. Review status: criteria provided, single submitter. Criteria: ACMG Guidelines, 2015. Collection method: clinical testing. Allele origin: germline.

Genome-Nilou Lab
Classification: Benign for Developmental and epileptic encephalopathy, 5. Last evaluated: 2021-07-15. Review status: criteria provided, single submitter. Criteria: ACMG Guidelines, 2015. Collection method: clinical testing. Allele origin: germline. Affected: no.

Ambry Genetics
Classification: Likely benign for Inborn genetic diseases. Last evaluated: 2018-04-13. Review status: criteria provided, single submitter. Criteria: Ambry Variant Classification Scheme 2023. Collection method: clinical testing. Allele origin: germline.

GeneDx
Classification: Benign. Last evaluated: 2014-02-21. Review status: criteria provided, single submitter. Criteria: GeneDx Variant Classification (06012015). Collection method: clinical testing. Allele origin: germline. Affected: yes.
Comment: This variant is considered likely benign or benign based on one or more of the following criteria: it is a conservative change, it occurs at a poorly conserved position in the protein, it is predicted to be benign by multiple in silico algorithms, and/or has population frequency not consistent with disease.

NM_001130438.3(SPTAN1):c.7359C>T (p.Tyr2453=)

Gene: SPTAN1 (spectrin alpha, non-erythrocytic 1; plus strand). Cytogenetic location: 9q34.11.
Variant type: single nucleotide variant.
Coding change: c.7359C>T on transcript NM_001130438.3 (MANE Select); coding-DNA position 7359, C replaced by T.
Protein change: p.Tyr2453=; no amino-acid change (tyrosine 2453 retained).
Molecular consequence: synonymous variant.
Genome position (GRCh38, 1-based): chr9:128,633,259, C>T. VCF-style: chr9-128633259-C-T. GRCh37 (hg19) VCF-style: chr9-131395538-C-T.
Other names: p.Y2453Y:TAC>TAT; c.7284C>T, p.Tyr2428= (NM_001195532.2); c.7422C>T, p.Tyr2474= (NM_001363759.2); c.7299C>T, p.Tyr2433= (NM_001363765.2); c.7344C>T, p.Tyr2448= (NM_003127.4).
Identifiers: ClinVar variation 139318 (VCV000139318.53), dbSNP rs138634476, ClinGen allele CA293761.